The following is an entry in ClinVar:

ClinVar aggregate classification (germline): Uncertain significance (1 of 4 stars; one submission).

Submission:

Quest Diagnostics Nichols Institute San Juan Capistrano
Classification: Uncertain significance. Last evaluated: 2024-06-26. Review status: criteria provided, single submitter. Criteria: Quest Diagnostics criteria. Collection method: clinical testing. Allele origin: unknown.
Comment: The FANCM c.3564T>G (p.Ser1188=) synonymous variant has not been reported in individuals with FANCM-related conditions in the published literature. It also has not been reported in large, multi-ethnic general populations (Genome Aggregation Database). Analysis of this variant using software algorithms for the prediction of the effect of nucleotide changes on splicing yielded predictions that this variant does not affect FANCM mRNA splicing. Based on the available information, we are unable to determine the clinical significance of this variant.

NM_020937.4(FANCM):c.3564T>G (p.Ser1188=)

Gene: FANCM (FA complementation group M; plus strand). Cytogenetic location: 14q21.2.
Variant type: single nucleotide variant.
Coding change: c.3564T>G on transcript NM_020937.4 (MANE Select); coding-DNA position 3564, T replaced by G.
Protein change: p.Ser1188=; no amino-acid change (serine 1188 retained).
Molecular consequence: synonymous variant.
Genome position (GRCh38, 1-based): chr14:45,176,318, T>G. VCF-style: chr14-45176318-T-G. GRCh37 (hg19) VCF-style: chr14-45645521-T-G.
Other names: c.3486T>G, p.Ser1162= (NM_001308133.2).
Identifiers: ClinVar variation 1809559 (VCV001809559.3), dbSNP rs1372823220, ClinGen allele CA486347238.